The following is an entry in ClinVar:

ClinVar aggregate classification (germline): Uncertain significance (1 of 4 stars; one submission).

Conditions:
Inborn genetic diseases. Identifiers: MedGen C0950123, MeSH D030342.

Submission:

Ambry Genetics
Classification: Uncertain significance for Inborn genetic diseases. Last evaluated: 2025-01-14. Review status: criteria provided, single submitter. Criteria: Ambry Variant Classification Scheme 2023. Collection method: clinical testing. Allele origin: germline.
Comment: The p.S480F variant (also known as c.1439C>T), located in coding exon 7 of the SH2B3 gene, results from a C to T substitution at nucleotide position 1439. The serine at codon 480 is replaced by phenylalanine, an amino acid with highly dissimilar properties. This amino acid position is conserved. In addition, this alteration is predicted to be tolerated by in silico analysis. Based on the available evidence, the clinical significance of this variant remains unclear.

NM_005475.3(SH2B3):c.1439C>T (p.Ser480Phe)

Gene: SH2B3 (SH2B adaptor protein 3; plus strand). Cytogenetic location: 12q24.12.
Variant type: single nucleotide variant.
Coding change: c.1439C>T on transcript NM_005475.3 (MANE Select); coding-DNA position 1439, C replaced by T.
Protein change: p.Ser480Phe; replaces serine 480 with phenylalanine.
Molecular consequence: missense variant.
Genome position (GRCh38, 1-based): chr12:111,448,013, C>T. VCF-style: chr12-111448013-C-T. GRCh37 (hg19) VCF-style: chr12-111885817-C-T.
Other names: c.833C>T, p.Ser278Phe (NM_001291424.1); short protein forms S278F, S480F.
Identifiers: ClinVar variation 3795107 (VCV003795107.1).